The following is an entry in ClinVar:

ClinVar aggregate classification (germline): Uncertain significance (1 of 4 stars; one submission).

Conditions:
Autoinflammation-PLCG2-associated antibody deficiency-immune dysregulation. Also called: Autoinflammation, antibody deficiency, and immune dysregulation, plcg2-associated; Autoinflammation, antibody deficiency, and immune dysregulation syndrome; AUTOINFLAMMATION, ANTIBODY DEFICIENCY, AND IMMUNE DYSREGULATION. Identifiers: Orphanet 324530, MedGen C3553961, MONDO:0013944, OMIM 614878.

gnomAD v4.1: 1 of 1,611,416 alleles (0.000062%); highest among the groups gnomAD compares: Non-Finnish European, 0.000085%; no homozygotes.

Submission:

Centre for Mendelian Genomics, University Medical Centre Ljubljana
Classification: Uncertain significance for Autoinflammation-PLCG2-associated antibody deficiency-immune dysregulation. Last evaluated: 2019-08-19. Review status: criteria provided, single submitter. Criteria: ACMG Guidelines, 2015. Collection method: clinical testing. Allele origin: unknown. Affected: yes.
Comment: This variant was classified as: Uncertain significance. The available evidence on this variant's pathogenicity is insufficient or conflicting. The following ACMG criteria were applied in classifying this variant: PM2.

NM_002661.5(PLCG2):c.1558-13C>G

Gene: PLCG2 (phospholipase C gamma 2; plus strand). Cytogenetic location: 16q23.3.
Variant type: single nucleotide variant.
Coding change: c.1558-13C>G on transcript NM_002661.5 (MANE Select); 13 bases into the intron before coding-DNA position 1558, C replaced by G.
Molecular consequence: intron variant.
Genome position (GRCh38, 1-based): chr16:81,908,403, C>G. VCF-style: chr16-81908403-C-G. GRCh37 (hg19) VCF-style: chr16-81942008-C-G.
Identifiers: ClinVar variation 931666 (VCV000931666.3), dbSNP rs763441688, ClinGen allele CA8193852.